The following is an entry in ClinVar:

ClinVar aggregate classification (germline): Uncertain significance (1 of 4 stars; one submission).

Conditions:
Emery-Dreifuss muscular dystrophy (EDMD). Also called: Scapuloperoneal syndrome, X-linked (formerly); Humeroperoneal neuromuscular disease, (formerly). Identifiers: Orphanet 261, MedGen C0410189, MONDO:0016830.

Allele frequency attached by ClinVar (database versions not stated): gnomAD exomes 0.00001.
gnomAD v4.1: 24 of 1,614,154 alleles (0.0015%); highest among the groups gnomAD compares: African/African-American, 0.013%; no homozygotes.

Submission:

Labcorp Genetics (formerly Invitae), Labcorp
Classification: Uncertain significance for Emery-Dreifuss muscular dystrophy. Last evaluated: 2025-06-12. Review status: criteria provided, single submitter. Criteria: Invitae Variant Classification Sherloc (09022015). Collection method: clinical testing. Allele origin: germline.
Comment: This sequence change replaces serine, which is neutral and polar, with cysteine, which is neutral and slightly polar, at codon 62 of the SUN2 protein (p.Ser62Cys). This variant is not present in population databases (gnomAD no frequency). This variant has not been reported in the literature in individuals affected with SUN2-related conditions. ClinVar contains an entry for this variant (Variation ID: 2714791). An algorithm developed to predict the effect of missense changes on protein structure and function (PolyPhen-2) suggests that this variant is likely to be disruptive. In summary, the available evidence is currently insufficient to determine the role of this variant in disease. Therefore, it has been classified as a Variant of Uncertain Significance.

NM_015374.3(SUN2):c.185C>G (p.Ser62Cys)

Gene: SUN2 (Sad1 and UNC84 domain containing 2; minus strand). Cytogenetic location: 22q13.1.
Variant type: single nucleotide variant.
Coding change: c.185C>G on transcript NM_015374.3 (MANE Select); coding-DNA position 185, C replaced by G.
Protein change: p.Ser62Cys; replaces serine 62 with cysteine.
Molecular consequence: missense variant. On other transcripts: intron variant (2).
Genome position (GRCh38, 1-based): chr22:38,751,311, G>C on the plus strand (C>G on the coding strand, the complement: SUN2 is on the minus strand). VCF-style: chr22-38751311-G-C. GRCh37 (hg19) VCF-style: chr22-39147316-G-C.
Other names: c.185C>G, p.Ser62Cys (NM_001394431.1, NM_001394432.1, NM_001394433.1 and 16 more transcripts); c.122+1196C>G (NM_001394443.1); c.123-28C>G (NM_001394438.1); short protein forms S62C.
Identifiers: ClinVar variation 2714791 (VCV002714791.3), dbSNP rs371249205, ClinGen allele CA324309349.